The following is an entry in ClinVar:

NM_000218.3(KCNQ1):c.1514+21863C>T

Genes: KCNQ1 (potassium voltage-gated channel subfamily Q member 1; plus strand), KCNQ1OT1 (KCNQ1 opposite strand/antisense transcript 1; minus strand). Cytogenetic location: 11p15.5.
Variant type: single nucleotide variant.
Coding change: c.1514+21863C>T on transcript NM_000218.3 (MANE Select); 21863 bases into the intron after coding-DNA position 1514, C replaced by T.
Molecular consequence: intron variant. On other transcripts: non-coding transcript variant (1).
Genome position (GRCh38, 1-based): chr11:2,683,944, C>T. VCF-style: chr11-2683944-C-T. GRCh37 (hg19) VCF-style: chr11-2705174-C-T.
Other names: c.1244+21863C>T (NM_001406837.1); c.1418+21863C>T (NM_001406836.1); c.974+21863C>T (NM_001406838.1); c.1133+21863C>T (NM_181798.2).
Identifiers: ClinVar variation 3034701 (VCV003034701.21), dbSNP rs147991756, ClinGen allele CA216187090.

ClinVar aggregate classification (germline): Likely benign. Review status: criteria provided, multiple submitters, no conflicts (2 of 4 stars). 3 submissions from 3 submitters: Likely benign (2). 1 of the submissions does not count toward it. Last evaluated 2024-10-22.

Conditions:
KCNQ1-related disorder. Also called: KCNQ1-related disorders; KCNQ1-related condition. Identifiers: MedGen CN239322.

Allele frequency attached by ClinVar (database versions not stated): TOPMed 0.00032; gnomAD 0.00033; 1000 Genomes Project 0.00040; 1000 Genomes Project 30x 0.00078; gnomAD exomes 0.00194.
gnomAD v4.1: 501 of 396,930 alleles (0.13%); highest among the groups gnomAD compares: East Asian, 1.6%; 2 homozygotes.

Submissions (3):

Blueprint Genetics
Classification: Likely benign. Last evaluated: 2024-10-22. Review status: criteria provided, single submitter. Criteria: ACMG Guidelines, 2015. Collection method: clinical testing. Allele origin: germline.

CeGaT Center for Human Genetics Tuebingen
Classification: Likely benign. Last evaluated: 2024-05-01. Review status: criteria provided, single submitter. Criteria: CeGaT Center For Human Genetics Tuebingen Variant Classification Criteria Version 2. Collection method: clinical testing. Allele origin: germline. Affected: yes. Observed: 1 variant allele.
Comment: KCNQ1OT1: BS1

PreventionGenetics, part of Exact Sciences
Classification: Likely benign for KCNQ1-related condition. Last evaluated: 2023-06-08. Review status: no assertion criteria provided. Collection method: clinical testing. Allele origin: germline. Not counted in ClinVar's aggregate classification.
Comment: This variant is classified as likely benign based on ACMG/AMP sequence variant interpretation guidelines (Richards et al. 2015 PMID: 25741868, with internal and published modifications).